The following is an entry in ClinVar:

ClinVar aggregate classification (germline): Uncertain significance (1 of 4 stars; one submission).

Conditions:
Amyotrophic lateral sclerosis type 8 (ALS8). Identifiers: Orphanet 803, MedGen C1837728, MONDO:0012077, OMIM 608627.
Adult-onset proximal spinal muscular atrophy, autosomal dominant. Also called: Spinal muscular atrophy, late-onset, finkel type; FINKEL LATE-ADULT TYPE SMA. Identifiers: Orphanet 209335, MedGen C1854058, MONDO:0008453, OMIM 182980.

Allele frequency attached by ClinVar (database versions not stated): gnomAD exomes below 0.00001; gnomAD 0.00001; TOPMed 0.00001.
gnomAD v4.1: 4 of 1,614,040 alleles (0.00025%); highest among the groups gnomAD compares: East Asian, 0.0045%; no homozygotes.

Submission:

Labcorp Genetics (formerly Invitae), Labcorp
Classification: Uncertain significance for Adult-onset proximal spinal muscular atrophy, autosomal dominant; Amyotrophic lateral sclerosis type 8. Last evaluated: 2022-06-22. Review status: criteria provided, single submitter. Criteria: Invitae Variant Classification Sherloc (09022015). Collection method: clinical testing. Allele origin: germline.
Comment: In summary, the available evidence is currently insufficient to determine the role of this variant in disease. Therefore, it has been classified as a Variant of Uncertain Significance. Algorithms developed to predict the effect of missense changes on protein structure and function output the following: SIFT: "Not Available"; PolyPhen-2: "Benign"; Align-GVGD: "Not Available". The threonine amino acid residue is found in multiple mammalian species, which suggests that this missense change does not adversely affect protein function. This variant has not been reported in the literature in individuals affected with VAPB-related conditions. This variant is present in population databases (no rsID available, gnomAD 0.01%). This sequence change replaces alanine, which is neutral and non-polar, with threonine, which is neutral and polar, at codon 65 of the VAPB protein (p.Ala65Thr).

NM_004738.5(VAPB):c.193G>A (p.Ala65Thr)

Gene: VAPB (VAMP associated protein B and C; plus strand). Cytogenetic location: 20q13.32.
Variant type: single nucleotide variant.
Coding change: c.193G>A on transcript NM_004738.5 (MANE Select); coding-DNA position 193, G replaced by A.
Protein change: p.Ala65Thr; replaces alanine 65 with threonine.
Molecular consequence: missense variant. On other transcripts: non-coding transcript variant (1).
Genome position (GRCh38, 1-based): chr20:58,418,345, G>A. VCF-style: chr20-58418345-G-A. GRCh37 (hg19) VCF-style: chr20-56993401-G-A.
Other names: c.193G>A, p.Ala65Thr (NM_001195677.2); short protein forms A65T.
Identifiers: ClinVar variation 1983198 (VCV001983198.4), dbSNP rs1400743434, ClinGen allele CA409442770.
Genomic context (GRCh38, chr20:58,418,345, plus strand): 5'-AAGACTACAGCACCACGTAGGTACTGTGTGAGGCCCAACAGCGGAATCATCGATGCAGGG[G>A]CCTCAATTAATGTATCTGGTAAGTCCTGAGACTGGAGGCCTAGAGGGTGGGCTCAGAAGG-3'
Protein context (NP_004729.1, residues 55-75): RPNSGIIDAG[Ala65Thr]SINVSVMLQP